The following is an entry in ClinVar:

NM_000112.4(SLC26A2):c.2006A>T (p.Glu669Val)

Gene: SLC26A2 (solute carrier family 26 member 2; plus strand). Cytogenetic location: 5q32.
Variant type: single nucleotide variant.
Coding change: c.2006A>T on transcript NM_000112.4 (MANE Select); coding-DNA position 2006, A replaced by T.
Protein change: p.Glu669Val; replaces glutamic acid 669 with valine.
Molecular consequence: missense variant.
Genome position (GRCh38, 1-based): chr5:149,981,599, A>T. VCF-style: chr5-149981599-A-T. GRCh37 (hg19) VCF-style: chr5-149361162-A-T.
Other names: short protein forms E669V.
Identifiers: ClinVar variation 1449249 (VCV001449249.3), dbSNP rs574817339, ClinGen allele CA3505530.

ClinVar aggregate classification (germline): Uncertain significance (1 of 4 stars; one submission).

Conditions:
Diastrophic dysplasia (DTD). Also called: Diastrophic dwarfism. Identifiers: Orphanet 628, MedGen C0220726, MONDO:0009107, OMIM 222600.
Atelosteogenesis type II (AO2). Also called: NEONATAL OSSEOUS DYSPLASIA I; Neonatal osseous dysplasia 1; SLC26A2-Related Atelosteogenesis. Identifiers: Orphanet 56304, MedGen C1850554, MONDO:0009727, OMIM 256050.
Multiple epiphyseal dysplasia type 4 (EDM4). Also called: Multiple Epiphyseal Dysplasia, Recessive; MULTIPLE EPIPHYSEAL DYSPLASIA WITH BILAYERED PATELLAE; MULTIPLE EPIPHYSEAL DYSPLASIA WITH CLUBFOOT; MULTIPLE EPIPHYSEAL DYSPLASIA, AUTOSOMAL RECESSIVE; SLC26A2-Related Multiple Epiphyseal Dysplasia. Identifiers: Orphanet 93307, MedGen C1847593, MONDO:0009189, OMIM 226900.
Achondrogenesis, type IB (ACG1B). Also called: Achondrogenesis Type 1B. Identifiers: Orphanet 932, Orphanet 93298, MedGen C0265274, MONDO:0010966, OMIM 600972.

Allele frequency attached by ClinVar (database versions not stated): gnomAD exomes below 0.00001; TOPMed below 0.00001; ExAC 0.00001; gnomAD 0.00001; 1000 Genomes Project 30x 0.00016; 1000 Genomes Project 0.00020.

Submission:

Labcorp Genetics (formerly Invitae), Labcorp
Classification: Uncertain significance for Atelosteogenesis type II; Multiple epiphyseal dysplasia type 4; Achondrogenesis, type IB; Diastrophic dysplasia. Last evaluated: 2022-07-06. Review status: criteria provided, single submitter. Criteria: Invitae Variant Classification Sherloc (09022015). Collection method: clinical testing. Allele origin: germline.
Comment: This sequence change replaces glutamic acid, which is acidic and polar, with valine, which is neutral and non-polar, at codon 669 of the SLC26A2 protein (p.Glu669Val). This variant is present in population databases (rs574817339, gnomAD 0.003%). This variant has not been reported in the literature in individuals affected with SLC26A2-related conditions. ClinVar contains an entry for this variant (Variation ID: 1449249). Advanced modeling of protein sequence and biophysical properties (such as structural, functional, and spatial information, amino acid conservation, physicochemical variation, residue mobility, and thermodynamic stability) performed at Invitae indicates that this missense variant is not expected to disrupt SLC26A2 protein function. In summary, the available evidence is currently insufficient to determine the role of this variant in disease. Therefore, it has been classified as a Variant of Uncertain Significance.